The following is an entry in ClinVar:

NM_004523.4(KIF11):c.1238C>G (p.Thr413Ser)

Gene: KIF11 (kinesin family member 11; plus strand). Cytogenetic location: 10q23.33.
Variant type: single nucleotide variant.
Coding change: c.1238C>G on transcript NM_004523.4 (MANE Select); coding-DNA position 1238, C replaced by G.
Protein change: p.Thr413Ser; replaces threonine 413 with serine.
Molecular consequence: missense variant.
Genome position (GRCh38, 1-based): chr10:92,628,828, C>G. VCF-style: chr10-92628828-C-G. GRCh37 (hg19) VCF-style: chr10-94388585-C-G.
Other names: short protein forms T413S.
Identifiers: ClinVar variation 4528225 (VCV004528225.1).
Genomic context (GRCh38, chr10:92,628,828, plus strand): 5'-AAAATATTAACTGTTAAACTCATATTAAACTTTATTTTAGAGTCATGAGTGGAAAATTAA[C>G]TGTTCAAGAAGAGCAGATTGTAGAATTGATTGAAAAAATTGGTGCTGTTGAGGAGGAGCT-3'
Protein context (NP_004514.2, residues 403-423): ENFRVMSGKL[Thr413Ser]VQEEQIVELI

ClinVar aggregate classification (germline): Uncertain significance (1 of 4 stars; one submission).

Submission:

GeneDx
Classification: Uncertain significance. Last evaluated: 2025-05-09. Review status: criteria provided, single submitter. Criteria: GeneDx Variant Classification Process June 2021. Collection method: clinical testing. Allele origin: germline. Affected: yes.
Comment: Not observed at significant frequency in large population cohorts (gnomAD); In silico analysis suggests that this missense variant does not alter protein structure/function; Has not been previously published as pathogenic or benign to our knowledge